The following is an entry in ClinVar:

ClinVar aggregate classification (germline): Uncertain significance (1 of 4 stars; one submission).

gnomAD v4.1: 6 of 1,614,100 alleles (0.00037%); highest among the groups gnomAD compares: African/African-American, 0.0027%; no homozygotes.

Submission:

GeneDx
Classification: Uncertain significance. Last evaluated: 2022-02-07. Review status: criteria provided, single submitter. Criteria: GeneDx Variant Classification Process June 2021. Collection method: clinical testing. Allele origin: germline. Affected: yes.
Comment: Has not been previously published as pathogenic or benign to our knowledge; Not observed at significant frequency in large population cohorts (gnomAD); In silico analysis supports that this missense variant has a deleterious effect on protein structure/function

NM_000302.4(PLOD1):c.1952C>T (p.Pro651Leu)

Gene: PLOD1 (procollagen-lysine,2-oxoglutarate 5-dioxygenase 1; plus strand). Cytogenetic location: 1p36.22.
Variant type: single nucleotide variant.
Coding change: c.1952C>T on transcript NM_000302.4 (MANE Select); coding-DNA position 1952, C replaced by T.
Protein change: p.Pro651Leu; replaces proline 651 with leucine.
Molecular consequence: missense variant.
Genome position (GRCh38, 1-based): chr1:11,972,921, C>T. VCF-style: chr1-11972921-C-T. GRCh37 (hg19) VCF-style: chr1-12032978-C-T.
Other names: c.2093C>T, p.Pro698Leu (NM_001316320.2); short protein forms P651L, P698L.
Identifiers: ClinVar variation 1700489 (VCV001700489.2), dbSNP rs1645876638, ClinGen allele CA338452352.
Genomic context (GRCh38, chr1:11,972,921, plus strand): 5'-CCTTGGTACAGGCCCAGTTTGACCTGGCCTTTGTCGTCCGCTACAAGCCTGATGAGCAGC[C>T]CTCACTGATGCCACACCATGATGCCTCCACCTTCACCATCAACATCGCCCTGAACCGAGT-3'
Protein context (NP_000293.2, residues 641-661): FVVRYKPDEQ[Pro651Leu]SLMPHHDAST